The following is an entry in ClinVar:

NM_174936.4(PCSK9):c.899C>T (p.Ala300Val)

Gene: PCSK9 (proprotein convertase subtilisin/kexin type 9; plus strand). Cytogenetic location: 1p32.3.
Variant type: single nucleotide variant.
Coding change: c.899C>T on transcript NM_174936.4 (MANE Select); coding-DNA position 899, C replaced by T.
Protein change: p.Ala300Val; replaces alanine 300 with valine.
Molecular consequence: missense variant. On other transcripts: non-coding transcript variant (8).
Genome position (GRCh38, 1-based): chr1:55,056,092, C>T. VCF-style: chr1-55056092-C-T. GRCh37 (hg19) VCF-style: chr1-55521765-C-T.
Other names: c.1022C>T, p.Ala341Val (NM_001407240.1); c.899C>T, p.Ala300Val (NM_001407241.1, NM_001407244.1, NM_001407247.1); c.902C>T, p.Ala301Val (NM_001407242.1); c.842C>T, p.Ala281Val (NM_001407243.1); c.707C>T, p.Ala236Val (NM_001407245.1); c.524C>T, p.Ala175Val (NM_001407246.1); short protein forms A175V, A236V, A281V, A300V, A301V, A341V.
Identifiers: ClinVar variation 3894361 (VCV003894361.1).

ClinVar aggregate classification (germline): Uncertain significance (1 of 4 stars; one submission).

Conditions:
Familial hypercholesterolemia. Also called: Familial hypercholesterolaemia. Identifiers: MedGen C0020445, MONDO:0005439.

Submission:

Color Diagnostics, LLC DBA Color Health
Classification: Uncertain significance for Familial hypercholesterolemia. Last evaluated: 2023-05-09. Review status: criteria provided, single submitter. Criteria: ACMG Guidelines, 2015. Collection method: clinical testing. Allele origin: germline.
Comment: This missense variant replaces alanine with valine at codon 300 of the PCSK9 protein. Computational prediction suggests that this variant may have a deleterious impact on protein structure and function (internally defined REVEL score threshold >= 0.7, PMID: 27666373). To our knowledge, functional studies have not been reported for this variant. This variant has been reported in an individual affected with acute myocardial infarction (PMID: 36555767). This variant has not been identified in the general population by the Genome Aggregation Database (gnomAD). The available evidence is insufficient to determine the role of this variant in disease conclusively. Therefore, this variant is classified as a Variant of Uncertain Significance.

Literature cited by the submitters: PubMed 36555767.